The following is an entry in ClinVar:

NM_000368.5(TSC1):c.2241_2242del (p.Gln748fs)

Gene: TSC1 (TSC complex subunit 1; minus strand). Cytogenetic location: 9q34.13.
Variant type: Deletion.
Coding change: c.2241_2242del on transcript NM_000368.5 (MANE Select); coding-DNA positions 2241 to 2242, 2 bases deleted (CC; older notation c.2241_2242delCC).
Protein change: p.Gln748fs; shifts the reading frame from glutamine 748.
Molecular consequence: frameshift variant.
Genome position (GRCh38, 1-based): chr9:132,902,754-132,902,755, GG deleted on the plus strand (CC on the coding strand, the reverse complement: TSC1 is on the minus strand). VCF-style (leftmost placement, unchanged base first): chr9-132902753-TGG-T. GRCh37 (hg19) VCF-style: chr9-135778140-TGG-T.
Other names: c.2238_2239del, p.Gln747fs (NM_001162426.2); c.2088_2089del, p.Gln697fs (NM_001162427.2); c.1878_1879del, p.Gln627fs (NM_001362177.2); short protein forms Q697fs, Q627fs, Q748fs, Q747fs.
Identifiers: ClinVar variation 1389138 (VCV001389138.6), dbSNP rs2131739882, ClinGen allele CA2573144235.

ClinVar aggregate classification (germline): Pathogenic (1 of 4 stars; one submission).

Conditions:
Tuberous sclerosis 1 (TSC1). Identifiers: Orphanet 805, MedGen C1854465, MONDO:0008612, OMIM 191100.

Submission:

Labcorp Genetics (formerly Invitae), Labcorp
Classification: Pathogenic for Tuberous sclerosis 1. Last evaluated: 2021-05-27. Review status: criteria provided, single submitter. Criteria: Invitae Variant Classification Sherloc (09022015). Collection method: clinical testing. Allele origin: germline.
Comment: For these reasons, this variant has been classified as Pathogenic. This variant has not been reported in the literature in individuals with TSC1-related conditions. This variant is not present in population databases (ExAC no frequency). This sequence change creates a premature translational stop signal (p.Gln748Aspfs*5) in the TSC1 gene. It is expected to result in an absent or disrupted protein product. Loss-of-function variants in TSC1 are known to be pathogenic (PMID: 10227394, 17304050).

Literature cited by the submitters: PubMed 10227394; PubMed 17304050.